The following is an entry in ClinVar:

ClinVar aggregate classification (germline): Uncertain significance (1 of 4 stars; one submission).

Conditions:
Frontometaphyseal dysplasia (FMD1). Identifiers: Orphanet 1826, MedGen C0265293, MONDO:0015942.
Heterotopia, periventricular, X-linked dominant (PVNH1). Also called: PERIVENTRICULAR NODULAR HETEROTOPIA 1; X-linked periventricular heterotopia; PERIVENTRICULAR NODULAR HETEROTOPIA 4; HETEROTOPIA, PERIVENTRICULAR, 1. Identifiers: Orphanet 2149, Orphanet 82004, MedGen C1848213, MONDO:0010233, OMIM 300049.
Melnick-Needles syndrome (MNS). Also called: MELNICK-NEEDLES OSTEODYSPLASTY; OSTEODYSPLASTY OF MELNICK AND NEEDLES; Melnick-Needles Syndrome (FLNA-MNS). Identifiers: Orphanet 2484, MedGen C0025237, MONDO:0010650, OMIM 309350.
Oto-palato-digital syndrome, type II (OPD2). Also called: OPD II SYNDROME; FACIOPALATOOSSEOUS SYNDROME; Otopalatodigital Syndrome Type 2 (FLNA-OPD2); Otopalatodigital Syndrome, Type II. Identifiers: Orphanet 669, Orphanet 90652, MedGen C1844696, MONDO:0010571, OMIM 304120.

Submission:

Labcorp Genetics (formerly Invitae), Labcorp
Classification: Uncertain significance for Oto-palato-digital syndrome, type II; Heterotopia, periventricular, X-linked dominant; Frontometaphyseal dysplasia; Melnick-Needles syndrome. Last evaluated: 2022-07-12. Review status: criteria provided, single submitter. Criteria: Invitae Variant Classification Sherloc (09022015). Collection method: clinical testing. Allele origin: germline.
Comment: In summary, the available evidence is currently insufficient to determine the role of this variant in disease. Therefore, it has been classified as a Variant of Uncertain Significance. Algorithms developed to predict the effect of sequence changes on RNA splicing suggest that this variant may disrupt the consensus splice site. Algorithms developed to predict the effect of missense changes on protein structure and function (SIFT, PolyPhen-2, Align-GVGD) all suggest that this variant is likely to be disruptive. ClinVar contains an entry for this variant (Variation ID: 934984). This variant has not been reported in the literature in individuals affected with FLNA-related conditions. This variant is not present in population databases (gnomAD no frequency). This sequence change replaces glutamine, which is neutral and polar, with leucine, which is neutral and non-polar, at codon 942 of the FLNA protein (p.Gln942Leu).

NM_001110556.2(FLNA):c.2825A>T (p.Gln942Leu)

Gene: FLNA (filamin A; minus strand). Cytogenetic location: Xq28.
Variant type: single nucleotide variant.
Coding change: c.2825A>T on transcript NM_001110556.2 (MANE Select); coding-DNA position 2825, A replaced by T.
Protein change: p.Gln942Leu; replaces glutamine 942 with leucine.
Molecular consequence: missense variant.
Genome position (GRCh38, 1-based): chrX:154,361,980, T>A on the plus strand (A>T on the coding strand, the complement: FLNA is on the minus strand). VCF-style: chrX-154361980-T-A. GRCh37 (hg19) VCF-style: chrX-153590348-T-A.
Other names: c.2825A>T, p.Gln942Leu (NM_001456.4); short protein forms Q942L.
Identifiers: ClinVar variation 934984 (VCV000934984.10), dbSNP rs2067715037, ClinGen allele CA415232192.
Genomic context (GRCh38, chrX:154,361,980, plus strand): 5'-CCTAGGCTGCTGCATGAGGAGGCTGGGGACTCGGTGACTGTAGTGGAGGGTGTGGCTACC[T>A]GCTGGACAGGCGTGTACTTGACTGTGTAGGTGTTGTCATGGTGGTCGATGATGTCCACAT-3'
Protein context (NP_001104026.1, residues 932-952): TYTVKYTPVQ[Gln942Leu]GPVGVNVTYG